The following is an entry in ClinVar:

NM_001191061.2(SLC25A22):c.140C>A (p.Thr47Lys)

Gene: SLC25A22 (solute carrier family 25 member 22; minus strand). Cytogenetic location: 11p15.5.
Variant type: single nucleotide variant.
Coding change: c.140C>A on transcript NM_001191061.2 (MANE Select); coding-DNA position 140, C replaced by A.
Protein change: p.Thr47Lys; replaces threonine 47 with lysine.
Molecular consequence: missense variant.
Genome position (GRCh38, 1-based): chr11:794,782, G>T on the plus strand (C>A on the coding strand, the complement: SLC25A22 is on the minus strand). VCF-style: chr11-794782-G-T. GRCh37 (hg19) VCF-style: chr11-794782-G-T.
Other names: c.140C>A, p.Thr47Lys (NM_001191060.2, NM_024698.6); short protein forms T47K.
Identifiers: ClinVar variation 1472088 (VCV001472088.9), dbSNP rs142220309, ClinGen allele CA5789395.

ClinVar aggregate classification (germline): Uncertain significance (1 of 4 stars; one submission).

Conditions:
Early-infantile DEE. Also called: Ohtahara syndrome; Early infantile epileptic encephalopathy with suppression bursts; Early infantile epileptic encephalopathy. Identifiers: Orphanet 1934, MedGen C0393706, MONDO:0800491.

Submission:

Labcorp Genetics (formerly Invitae), Labcorp
Classification: Uncertain significance for Early-infantile DEE. Last evaluated: 2021-02-18. Review status: criteria provided, single submitter. Criteria: Invitae Variant Classification Sherloc (09022015). Collection method: clinical testing. Allele origin: germline.
Comment: In summary, the available evidence is currently insufficient to determine the role of this variant in disease. Therefore, it has been classified as a Variant of Uncertain Significance. Algorithms developed to predict the effect of missense changes on protein structure and function output the following: SIFT: "Deleterious"; PolyPhen-2: "Benign"; Align-GVGD: "Class C0". The lysine amino acid residue is found in multiple mammalian species, suggesting that this missense change does not adversely affect protein function. These predictions have not been confirmed by published functional studies and their clinical significance is uncertain. This variant has not been reported in the literature in individuals with SLC25A22-related conditions. This variant is present in population databases (rs142220309, ExAC 0.01%). This sequence change replaces threonine with lysine at codon 47 of the SLC25A22 protein (p.Thr47Lys). The threonine residue is moderately conserved and there is a moderate physicochemical difference between threonine and lysine.